The following is an entry in ClinVar:

NM_002860.4(ALDH18A1):c.589G>C (p.Glu197Gln)

Gene: ALDH18A1 (aldehyde dehydrogenase 18 family member A1; minus strand). Cytogenetic location: 10q24.1.
Variant type: single nucleotide variant.
Coding change: c.589G>C on transcript NM_002860.4 (MANE Select); coding-DNA position 589, G replaced by C.
Protein change: p.Glu197Gln; replaces glutamic acid 197 with glutamine.
Molecular consequence: missense variant. On other transcripts: 5 prime UTR variant (1).
Genome position (GRCh38, 1-based): chr10:95,633,619, C>G on the plus strand (G>C on the coding strand, the complement: ALDH18A1 is on the minus strand). VCF-style: chr10-95633619-C-G. GRCh37 (hg19) VCF-style: chr10-97393376-C-G.
Other names: p.Glu197Gln; c.589G>C, p.Glu197Gln (NM_001017423.2, NM_001323413.2, NM_001323414.2 and 1 more transcripts); c.256G>C, p.Glu86Gln (NM_001323412.2, NM_001323416.2, NM_001323418.2); c.484G>C, p.Glu162Gln (NM_001323417.2); c.-48G>C (NM_001323419.2); short protein forms E197Q, E162Q, E86Q.
Identifiers: ClinVar variation 453170 (VCV000453170.23), dbSNP rs201691969, ClinGen allele CA5620567.

ClinVar aggregate classification (germline): Uncertain significance. Review status: criteria provided, multiple submitters, no conflicts (2 of 4 stars). 5 submissions from 5 submitters: Uncertain significance (5). Last evaluated 2026-09-10.

Conditions:
Cutis laxa, autosomal dominant 3 (ADCL3). Identifiers: Orphanet 90348, MedGen C4225268, MONDO:0014706, OMIM 616603.
Autosomal dominant spastic paraplegia type 9. Identifiers: MedGen C1832669, MONDO:0015091.
de Barsy syndrome. Also called: Cutis laxa-corneal clouding-oligophrenia syndrome. Identifiers: Orphanet 2962, MedGen C0268354, MONDO:0017569.
ALDH18A1-related disorder. Also called: ALDH18A1-related disorders.
Inborn genetic diseases. Identifiers: MedGen C0950123, MeSH D030342.

Allele frequency attached by ClinVar (database versions not stated): gnomAD 0.00010 and 0.00009; ExAC 0.00012; gnomAD exomes 0.00014 and 0.00018; TOPMed 0.00011.
gnomAD v4.1: 264 of 1,613,910 alleles (0.016%); highest among the groups gnomAD compares: Non-Finnish European, 0.022%; no homozygotes.

Submissions (5):

GeneDx
Classification: Uncertain significance. Last evaluated: 2026-09-10. Review status: criteria provided, single submitter. Criteria: GeneDx Variant Classification Process June 2021. Collection method: clinical testing. Allele origin: germline.
Comment: Has not been previously published as pathogenic or benign to our knowledge; In silico analysis suggests that this missense variant does not alter protein structure/function

PreventionGenetics, part of Exact Sciences
Classification: Uncertain significance for ALDH18A1-related condition. Last evaluated: 2026-07-08. Review status: criteria provided, single submitter. Criteria: ACMG Guidelines, 2015. Collection method: clinical testing. Allele origin: germline.
Comment: The ALDH18A1 c.589G>C variant is predicted to result in the amino acid substitution p.Glu197Gln. To our knowledge, this variant has not been reported in the literature. This variant is reported in 0.026% of alleles in individuals of European (Non-Finnish) descent in gnomAD. At this time, the clinical significance of this variant is uncertain due to the absence of conclusive functional and genetic evidence.

Labcorp Genetics (formerly Invitae), Labcorp
Classification: Uncertain significance for Autosomal dominant spastic paraplegia type 9; de Barsy syndrome; Cutis laxa, autosomal dominant 3. Last evaluated: 2025-12-16. Review status: criteria provided, single submitter. Criteria: Invitae Variant Classification Sherloc (09022015). Collection method: clinical testing. Allele origin: germline.
Comment: This sequence change replaces glutamic acid, which is acidic and polar, with glutamine, which is neutral and polar, at codon 197 of the ALDH18A1 protein (p.Glu197Gln). This variant is present in population databases (rs201691969, gnomAD 0.03%). This variant has not been reported in the literature in individuals affected with ALDH18A1-related conditions. ClinVar contains an entry for this variant (Variation ID: 453170). Invitae Evidence Modeling of protein sequence and biophysical properties (such as structural, functional, and spatial information, amino acid conservation, physicochemical variation, residue mobility, and thermodynamic stability) has been performed for this missense variant. However, the output from this modeling did not meet the statistical confidence thresholds required to predict the impact of this variant on ALDH18A1 protein function. In summary, the available evidence is currently insufficient to determine the role of this variant in disease. Therefore, it has been classified as a Variant of Uncertain Significance.

Mayo Clinic Laboratories, Mayo Clinic
Classification: Uncertain significance. Last evaluated: 2024-03-05. Review status: criteria provided, single submitter. Criteria: ACMG Guidelines, 2015. Collection method: clinical testing. Allele origin: germline. Observed: 1 variant allele.
Comment: BP4

Ambry Genetics
Classification: Uncertain significance for Inborn genetic diseases. Last evaluated: 2022-12-13. Review status: criteria provided, single submitter. Criteria: Ambry Variant Classification Scheme 2023. Collection method: clinical testing. Allele origin: germline.